The following is an entry in ClinVar:

NM_015100.4(POGZ):c.2062-19del

Gene: POGZ (pogo transposable element derived with ZNF domain; minus strand). Cytogenetic location: 1q21.3.
Variant type: Deletion.
Coding change: c.2062-19del on transcript NM_015100.4 (MANE Select); 19 bases into the intron before coding-DNA position 2062, one base deleted (T; older notation c.2062-19delT).
Molecular consequence: intron variant.
Genome position (GRCh38, 1-based): chr1:151,408,600, A deleted on the plus strand (T on the coding strand, the reverse complement: POGZ is on the minus strand); the first of 2 consecutive A bases (chr1:151,408,600-151,408,601); deleting either gives the same sequence. VCF-style (leftmost placement, unchanged base first): chr1-151408599-TA-T. GRCh37 (hg19) VCF-style: chr1-151381075-TA-T.
Other names: c.1876-19del (NM_001194938.2); c.1777-19del (NM_145796.4); c.2035-19del (NM_001194937.2); c.2083-19del (NM_001410860.1); c.1903-19del (NM_207171.2); c.2062-19delT (NM_015100.4).
Identifiers: ClinVar variation 3233489 (VCV003233489.2), dbSNP rs2529245806, ClinGen allele CA2647921115.

ClinVar aggregate classification (germline): Likely benign (1 of 4 stars; one submission).

Submission:

Women's Health and Genetics/Laboratory Corporation of America, LabCorp
Classification: Likely benign. Last evaluated: 2024-03-12. Review status: criteria provided, single submitter. Criteria: LabCorp Variant Classification Summary - May 2015. Collection method: clinical testing. Allele origin: germline.
Comment: Variant summary: POGZ c.2062-19delT alters a non-conserved nucleotide located at a position not widely known to affect splicing. Consensus agreement among computation tools predict no significant impact on normal splicing. However, these predictions have yet to be confirmed by functional studies. The variant was absent in 247514 control chromosomes (gnomAD). The available data on variant occurrences in the general population are insufficient to allow any conclusion about variant significance. To our knowledge, no occurrence of c.2062-19delT in individuals affected with White-Sutton Syndrome and no experimental evidence demonstrating its impact on protein function have been reported. No submitters have cited clinical-significance assessments for this variant to ClinVar. Based on the evidence outlined above, the variant was classified as likely benign.